The following is an entry in ClinVar:

NM_000051.4(ATM):c.1089del (p.Leu364fs)

Gene: ATM (ATM serine/threonine kinase; plus strand). Cytogenetic location: 11q22.3.
Variant type: Deletion.
Coding change: c.1089del on transcript NM_000051.4 (MANE Select); coding-DNA position 1089, one base deleted (C; older notation c.1089delC).
Protein change: p.Leu364fs; shifts the reading frame from leucine 364.
Molecular consequence: frameshift variant.
Genome position (GRCh38, 1-based): chr11:108,248,956, C deleted; the last of 2 consecutive C bases (chr11:108,248,955-108,248,956); deleting either gives the same sequence. VCF-style (leftmost placement, unchanged base first): chr11-108248954-TC-T. GRCh37 (hg19) VCF-style: chr11-108119681-TC-T.
Other names: c.1089del, p.Leu364fs (NM_001351834.2); short protein forms L364fs.
Identifiers: ClinVar variation 2808670 (VCV002808670.3), dbSNP rs2497207686, ClinGen allele CA2739265974.

ClinVar aggregate classification (germline): Pathogenic (1 of 4 stars; one submission).

Conditions:
Ataxia-telangiectasia syndrome (AT). Also called: Ataxia-telangiectasia, complementation group E; ATAXIA-TELANGIECTASIA, COMPLEMENTATION GROUP A; ATAXIA-TELANGIECTASIA, FRESNO VARIANT; Ataxia-telangiectasia; LOUIS-BAR SYNDROME; Ataxia-telangiectasia, complementation group D. Identifiers: Orphanet 100, MedGen C0004135, MONDO:0008840, OMIM 208900.

Submission:

Labcorp Genetics (formerly Invitae), Labcorp
Classification: Pathogenic for Ataxia-telangiectasia syndrome. Last evaluated: 2022-10-16. Review status: criteria provided, single submitter. Criteria: Invitae Variant Classification Sherloc (09022015). Collection method: clinical testing. Allele origin: germline.
Comment: This sequence change creates a premature translational stop signal (p.Leu364Trpfs*26) in the ATM gene. It is expected to result in an absent or disrupted protein product. Loss-of-function variants in ATM are known to be pathogenic (PMID: 23807571, 25614872). This variant is not present in population databases (gnomAD no frequency). This variant has not been reported in the literature in individuals affected with ATM-related conditions. For these reasons, this variant has been classified as Pathogenic.

Literature cited by the submitters: PubMed 23807571; PubMed 25614872.